The following is an entry in ClinVar:

ClinVar aggregate classification (germline): Uncertain significance (1 of 4 stars; one submission).

Allele frequency attached by ClinVar (database versions not stated): gnomAD 0.00001; gnomAD exomes 0.00001 and 0.00004; TOPMed 0.00003.
gnomAD v4.1: 60 of 1,612,112 alleles (0.0037%); highest among the groups gnomAD compares: Non-Finnish European, 0.0048%; no homozygotes.

Submission:

Labcorp Genetics (formerly Invitae), Labcorp
Classification: Uncertain significance. Last evaluated: 2021-08-05. Review status: criteria provided, single submitter. Criteria: Invitae Variant Classification Sherloc (09022015). Collection method: clinical testing. Allele origin: germline.
Comment: This sequence change replaces glutamic acid with glycine at codon 86 of the UNC45A protein (p.Glu86Gly). The glutamic acid residue is moderately conserved and there is a moderate physicochemical difference between glutamic acid and glycine. This variant is not present in population databases (ExAC no frequency). This variant has not been reported in the literature in individuals affected with UNC45A-related conditions. Algorithms developed to predict the effect of missense changes on protein structure and function are either unavailable or do not agree on the potential impact of this missense change (SIFT: "Not Available"; PolyPhen-2: "Benign"; Align-GVGD: "Not Available"). In summary, the available evidence is currently insufficient to determine the role of this variant in disease. Therefore, it has been classified as a Variant of Uncertain Significance.

NM_018671.5(UNC45A):c.257A>G (p.Glu86Gly)

Gene: UNC45A (unc-45 myosin chaperone A; plus strand). Cytogenetic location: 15q26.1.
Variant type: single nucleotide variant.
Coding change: c.257A>G on transcript NM_018671.5 (MANE Select); coding-DNA position 257, A replaced by G.
Protein change: p.Glu86Gly; replaces glutamic acid 86 with glycine.
Molecular consequence: missense variant. On other transcripts: 5 prime UTR variant (1).
Genome position (GRCh38, 1-based): chr15:90,936,291, A>G. VCF-style: chr15-90936291-A-G. GRCh37 (hg19) VCF-style: chr15-91479521-A-G.
Other names: c.212A>G, p.Glu71Gly (NM_001039675.2, NM_001323621.2); c.257A>G, p.Glu86Gly (NM_001323619.1); c.-179A>G (NM_001323620.2); short protein forms E71G, E86G.
Identifiers: ClinVar variation 1522751 (VCV001522751.3), dbSNP rs987402574, ClinGen allele CA274803168.